The following is an entry in ClinVar:

ClinVar aggregate classification (germline): Uncertain significance (1 of 4 stars; one submission).

Conditions:
Pyogenic arthritis-pyoderma gangrenosum-acne syndrome (PAPA). Also called: FAMILIAL RECURRENT ARTHRITIS; PAPA SYNDROME. Identifiers: Orphanet 69126, MedGen C1858361, MONDO:0011462, OMIM 604416.

Submission:

Labcorp Genetics (formerly Invitae), Labcorp
Classification: Uncertain significance for Pyogenic arthritis-pyoderma gangrenosum-acne syndrome. Last evaluated: 2025-04-07. Review status: criteria provided, single submitter. Criteria: Invitae Variant Classification Sherloc (09022015). Collection method: clinical testing. Allele origin: germline.
Comment: This sequence change replaces glutamic acid, which is acidic and polar, with lysine, which is basic and polar, at codon 155 of the PSTPIP1 protein (p.Glu155Lys). This variant is not present in population databases (gnomAD no frequency). This variant has not been reported in the literature in individuals affected with PSTPIP1-related conditions. Invitae Evidence Modeling of protein sequence and biophysical properties (such as structural, functional, and spatial information, amino acid conservation, physicochemical variation, residue mobility, and thermodynamic stability) indicates that this missense variant is not expected to disrupt PSTPIP1 protein function with a negative predictive value of 80%. In summary, the available evidence is currently insufficient to determine the role of this variant in disease. Therefore, it has been classified as a Variant of Uncertain Significance.

NM_003978.5(PSTPIP1):c.463G>A (p.Glu155Lys)

Gene: PSTPIP1 (proline-serine-threonine phosphatase interacting protein 1; plus strand). Cytogenetic location: 15q24.3.
Variant type: single nucleotide variant.
Coding change: c.463G>A on transcript NM_003978.5 (MANE Select); coding-DNA position 463, G replaced by A.
Protein change: p.Glu155Lys; replaces glutamic acid 155 with lysine.
Molecular consequence: missense variant. On other transcripts: non-coding transcript variant (1).
Genome position (GRCh38, 1-based): chr15:77,028,599, G>A. VCF-style: chr15-77028599-G-A. GRCh37 (hg19) VCF-style: chr15-77320940-G-A.
Other names: c.463G>A, p.Glu155Lys (NM_001321135.2, NM_001411086.1); c.436G>A, p.Glu146Lys (NM_001321136.2); c.658G>A, p.Glu220Lys (NM_001321137.1); short protein forms E146K, E155K, E220K.
Identifiers: ClinVar variation 4742604 (VCV004742604.1).
Genomic context (GRCh38, chr15:77,028,599, plus strand): 5'-CCTCCACACCCCCAGTCCAAGAAGACATACGAGCAGAAGTGCCGGGACGCGGACGACGCG[G>A]AGCAGGCCTTCGAGCGCATTAGCGCCAACGGCCACCAGAAGCAGGTGGAGAAGGTGCGCT-3'
Protein context (NP_003969.2, residues 145-165): EQKCRDADDA[Glu155Lys]QAFERISANG